The following is an entry in ClinVar:

ClinVar aggregate classification (germline): Uncertain significance (1 of 4 stars; one submission).

Submission:

Labcorp Genetics (formerly Invitae), Labcorp
Classification: Uncertain significance. Last evaluated: 2025-09-15. Review status: criteria provided, single submitter. Criteria: Invitae Variant Classification Sherloc (09022015). Collection method: clinical testing. Allele origin: germline.
Comment: This sequence change replaces arginine, which is basic and polar, with cysteine, which is neutral and slightly polar, at codon 253 of the TSEN34 protein (p.Arg253Cys). This variant is present in population databases (rs377230489, gnomAD 0.006%). This variant has not been reported in the literature in individuals affected with TSEN34-related conditions. An algorithm developed to predict the effect of missense changes on protein structure and function (PolyPhen-2) suggests that this variant is likely to be disruptive. In summary, the available evidence is currently insufficient to determine the role of this variant in disease. Therefore, it has been classified as a Variant of Uncertain Significance.

NM_001077446.4(TSEN34):c.757C>T (p.Arg253Cys)

Gene: TSEN34 (tRNA splicing endonuclease subunit 34; plus strand). Cytogenetic location: 19q13.42.
Variant type: single nucleotide variant.
Coding change: c.757C>T on transcript NM_001077446.4 (MANE Select); coding-DNA position 757, C replaced by T.
Protein change: p.Arg253Cys; replaces arginine 253 with cysteine.
Molecular consequence: missense variant.
Genome position (GRCh38, 1-based): chr19:54,193,186, C>T. VCF-style: chr19-54193186-C-T. GRCh37 (hg19) VCF-style: chr19-54697041-C-T.
Other names: c.757C>T, p.Arg253Cys (NM_001282332.2, NM_001282333.2, NM_001386740.1 and 1 more transcripts); short protein forms R253C.
Identifiers: ClinVar variation 4697466 (VCV004697466.1).